The following is an entry in ClinVar:

ClinVar aggregate classification (germline): Uncertain significance (1 of 4 stars; one submission).

Submission:

Labcorp Genetics (formerly Invitae), Labcorp
Classification: Uncertain significance. Last evaluated: 2022-04-16. Review status: criteria provided, single submitter. Criteria: Invitae Variant Classification Sherloc (09022015). Collection method: clinical testing. Allele origin: germline.
Comment: This sequence change replaces arginine, which is basic and polar, with cysteine, which is neutral and slightly polar, at codon 7 of the MTFMT protein (p.Arg7Cys). This variant is present in population databases (rs759489465, gnomAD 0.007%). This variant has not been reported in the literature in individuals affected with MTFMT-related conditions. Algorithms developed to predict the effect of missense changes on protein structure and function output the following: SIFT: "Tolerated"; PolyPhen-2: "Benign"; Align-GVGD: "Class C0". The cysteine amino acid residue is found in multiple mammalian species, which suggests that this missense change does not adversely affect protein function. In summary, the available evidence is currently insufficient to determine the role of this variant in disease. Therefore, it has been classified as a Variant of Uncertain Significance.

NM_139242.4(MTFMT):c.19C>T (p.Arg7Cys)

Gene: MTFMT (mitochondrial methionyl-tRNA formyltransferase; minus strand). Cytogenetic location: 15q22.31.
Variant type: single nucleotide variant.
Coding change: c.19C>T on transcript NM_139242.4 (MANE Select); coding-DNA position 19, C replaced by T.
Protein change: p.Arg7Cys; replaces arginine 7 with cysteine.
Molecular consequence: missense variant.
Genome position (GRCh38, 1-based): chr15:65,029,595, G>A on the plus strand (C>T on the coding strand, the complement: MTFMT is on the minus strand). VCF-style: chr15-65029595-G-A. GRCh37 (hg19) VCF-style: chr15-65321933-G-A.
Other names: short protein forms R7C.
Identifiers: ClinVar variation 1957107 (VCV001957107.2), dbSNP rs759489465, ClinGen allele CA7613441.